The following is an entry in ClinVar:

ClinVar aggregate classification (germline): Uncertain significance (1 of 4 stars; one submission).

Conditions:
TUB-related disorder. Also called: TUB-related condition.

Submission:

PreventionGenetics, part of Exact Sciences
Classification: Uncertain significance for TUB-related condition. Last evaluated: 2026-01-29. Review status: criteria provided, single submitter. Criteria: ACMG Guidelines, 2015. Collection method: clinical testing. Allele origin: germline.
Comment: The TUB c.981_1003del23 variant is predicted to result in a frameshift and premature protein termination (p.Lys328Valfs*11). To our knowledge, this variant has not been reported in the literature or in a large population database (gnomAD), indicating this variant is rare. Loss of function has not been conclusively established as a mechanism for TUB-related disorders. At this time, the clinical significance of this variant is uncertain due to the absence of conclusive functional and genetic evidence.

NM_177972.3(TUB):c.816_838del (p.Lys273fs)

Genes: RIC3 (RIC3 acetylcholine receptor chaperone; minus strand), TUB (TUB bipartite transcription factor; plus strand). Cytogenetic location: 11p15.4.
Variant type: Deletion.
Coding change: c.816_838del on transcript NM_177972.3 (MANE Select); coding-DNA positions 816 to 838, 23 bases deleted (CAAGAAAGGGATGGACCGGGGCA).
Protein change: p.Lys273fs; shifts the reading frame from lysine 273.
Molecular consequence: frameshift variant.
Genome position (GRCh38, 1-based): chr11:8,097,356-8,097,378, CAAGAAAGGGATGGACCGGGGCA deleted; deleting any 23 consecutive bases within chr11:8,097,355-8,097,378 gives the same sequence; the c. name uses the placement nearest the transcript's 3' end. VCF-style (leftmost placement, unchanged base first): chr11-8097354-GACAAGAAAGGGATGGACCGGGGC-G. GRCh37 (hg19) VCF-style: chr11-8118901-GACAAGAAAGGGATGGACCGGGGC-G.
Other names: c.834_856del, p.Lys279fs (NM_001440538.1, NM_001440539.1); c.666_688del, p.Lys223fs (NM_001440540.1, NM_001440542.1); c.648_670del, p.Lys217fs (NM_001440541.1); c.981_1003del, p.Lys328fs (NM_003320.5); short protein forms K279fs, K328fs, K217fs, K273fs, K223fs.
Identifiers: ClinVar variation 4995718 (VCV004995718.1).